The following is an entry in ClinVar:

ClinVar aggregate classification (germline): Likely benign (0 of 4 stars; one submission).

Conditions:
PLEKHG2-related disorder. Also called: PLEKHG2-related condition.

Allele frequency attached by ClinVar (database versions not stated): gnomAD exomes 0.00690; ExAC 0.02134; ESP Exome Variant Server 0.05875; gnomAD 0.05954; TOPMed 0.06788; 1000 Genomes Project 0.07708; 1000 Genomes Project 30x 0.08026.
gnomAD v4.1: 19,441 of 1,588,554 alleles (1.2%); highest among the groups gnomAD compares: African/African-American, 20%; 1,607 homozygotes.

Submission:

PreventionGenetics, part of Exact Sciences
Classification: Likely benign for PLEKHG2-related condition. Last evaluated: 2020-05-11. Review status: no assertion criteria provided. Collection method: clinical testing. Allele origin: germline.
Comment: This variant is classified as likely benign based on ACMG/AMP sequence variant interpretation guidelines (Richards et al. 2015 PMID: 25741868, with internal and published modifications).

NM_022835.3(PLEKHG2):c.*24A>G

Gene: PLEKHG2 (pleckstrin homology and RhoGEF domain containing G2; plus strand). Cytogenetic location: 19q13.2.
Variant type: single nucleotide variant.
Coding change: c.*24A>G on transcript NM_022835.3 (MANE Select); 24 bases downstream of the stop codon, A replaced by G.
Molecular consequence: 3 prime UTR variant. On other transcripts: missense variant (1).
Genome position (GRCh38, 1-based): chr19:39,425,318, A>G. VCF-style: chr19-39425318-A-G. GRCh37 (hg19) VCF-style: chr19-39915958-A-G.
Other names: c.3653A>G, p.Lys1218Arg (NM_001351693.2); c.*24A>G (NM_001351694.2); short protein forms K1218R.
Identifiers: ClinVar variation 3056486 (VCV003056486.2), dbSNP rs56845315, ClinGen allele CA9430153.